The following is an entry in ClinVar:

ClinVar aggregate classification (germline): Conflicting classifications of pathogenicity. Review status: criteria provided, conflicting classifications (1 of 4 stars). 4 submissions from 4 submitters: Uncertain significance (3); Likely benign (1). Last evaluated 2024-09-29.

Conditions:
Autosomal dominant auditory neuropathy 1. Also called: AUDITORY NEUROPATHY, NONSYNDROMIC DOMINANT. Identifiers: Orphanet 90635, MedGen C1836743, MONDO:0012196, OMIM 609129.

Submissions (4):

Labcorp Genetics (formerly Invitae), Labcorp
Classification: Uncertain significance. Last evaluated: 2024-09-29. Review status: criteria provided, single submitter. Criteria: Invitae Variant Classification Sherloc (09022015). Collection method: clinical testing. Allele origin: germline.
Comment: This sequence change creates a premature translational stop signal (p.Arg1019Lysfs*14) in the DIAPH3 gene. It is expected to result in an absent or disrupted protein product. However, the current clinical and genetic evidence is not sufficient to establish whether loss-of-function variants in DIAPH3 cause disease. The frequency data for this variant in the population databases is considered unreliable, as metrics indicate poor data quality at this position in the gnomAD database. This premature translational stop signal has been observed in individual(s) with deafness (PMID: 34515852). ClinVar contains an entry for this variant (Variation ID: 1415955). In summary, the available evidence is currently insufficient to determine the role of this variant in disease. Therefore, it has been classified as a Variant of Uncertain Significance.

Blueprint Genetics
Classification: Likely benign. Last evaluated: 2023-02-24. Review status: criteria provided, single submitter. Criteria: ACMG Guidelines, 2015. Collection method: clinical testing. Allele origin: germline.

Department of Pathology and Laboratory Medicine, Sinai Health System
Classification: Uncertain significance for Autosomal dominant auditory neuropathy 1. Last evaluated: 2023-01-10. Review status: criteria provided, single submitter. Criteria: ACMG Guidelines, 2015. Collection method: research. Allele origin: germline.

Mendelics
Classification: Uncertain significance. Last evaluated: 2022-05-04. Review status: criteria provided, single submitter. Criteria: Mendelics Assertion Criteria 2019. Collection method: clinical testing. Allele origin: germline.

Literature cited by the submitters: PubMed 34515852 (cited by Labcorp Genetics (formerly Invitae), Labcorp).

NM_001042517.2(DIAPH3):c.3055dup (p.Arg1019fs)

Gene: DIAPH3 (diaphanous related formin 3; minus strand). Cytogenetic location: 13q21.2.
Variant type: Duplication.
Coding change: c.3055dup on transcript NM_001042517.2 (MANE Select); coding-DNA position 3055, one base duplicated (A; older notation c.3055dupA).
Protein change: p.Arg1019fs; shifts the reading frame from arginine 1019.
Molecular consequence: frameshift variant.
Genome position (GRCh38, 1-based): chr13:59,810,896, T duplicated on the plus strand (A on the coding strand, the reverse complement: DIAPH3 is on the minus strand); the first of 7 consecutive T bases (chr13:59,810,896-59,810,902); duplicating any one gives the same sequence. VCF-style (leftmost placement, unchanged base first): chr13-59810895-C-CT. GRCh37 (hg19) VCF-style: chr13-60385029-C-CT.
Other names: c.3022dup, p.Arg1008fs (NM_001258366.2); c.2917dup, p.Arg973fs (NM_001258367.2); c.2845dup, p.Arg949fs (NM_001258368.2); c.3055dup, p.Arg1019fs (NM_001258369.2); c.2266dup, p.Arg756fs (NM_030932.4); short protein forms R756fs, R1008fs, R1019fs, R949fs, R973fs.
Identifiers: ClinVar variation 1415955 (VCV001415955.8), dbSNP rs753024929, ClinGen allele CA6996180.